The following is an entry in ClinVar:

ClinVar aggregate classification (germline): Uncertain significance (1 of 4 stars; one submission).

Conditions:
Inborn genetic diseases. Identifiers: MedGen C0950123, MeSH D030342.

Allele frequency attached by ClinVar (database versions not stated): gnomAD exomes 0.00001; ExAC 0.00002.
gnomAD v4.1: 10 of 1,614,182 alleles (0.00062%); highest among the groups gnomAD compares: South Asian, 0.0055%; no homozygotes.

Submission:

Ambry Genetics
Classification: Uncertain significance for Inborn genetic diseases. Last evaluated: 2016-10-31. Review status: criteria provided, single submitter. Criteria: Ambry Variant Classification Scheme 2023. Collection method: clinical testing. Allele origin: germline.
Comment: The c.169-5C>G intronic variant results from a C to G substitution 5 nucleotides upstream from coding exon 3 in the CSTB gene. This variant was not reported in population based cohorts in the following databases: Database of Single Nucleotide Polymorphisms (dbSNP), NHLBI Exome Sequencing Project (ESP), and 1000 Genomes Project. This position was not covered in the ESP. This nucleotide position is poorly conserved in available vertebrate species. Using the BDGP and ESEfinder splice site prediction tools, this alteration is not predicted to have any significant effect on this splice acceptor site; however, direct evidence is unavailable. Since supporting evidence is limited at this time, the clinical significance of this variant remains unclear.

NM_000100.4(CSTB):c.169-5C>G

Gene: CSTB (cystatin B; minus strand). Cytogenetic location: 21q22.3.
Variant type: single nucleotide variant.
Coding change: c.169-5C>G on transcript NM_000100.4 (MANE Select); 5 bases into the intron before coding-DNA position 169, C replaced by G.
Molecular consequence: intron variant.
Genome position (GRCh38, 1-based): chr21:43,774,335, G>C on the plus strand (C>G on the coding strand, the complement: CSTB is on the minus strand). VCF-style: chr21-43774335-G-C. GRCh37 (hg19) VCF-style: chr21-45194216-G-C.
Identifiers: ClinVar variation 587923 (VCV000587923.5), dbSNP rs764309689, ClinGen allele CA10048886.